The following is an entry in ClinVar:

NM_198428.3(BBS9):c.2045dup (p.Arg683fs)

Gene: BBS9 (Bardet-Biedl syndrome 9; plus strand). Cytogenetic location: 7p14.3.
Variant type: Duplication.
Coding change: c.2045dup on transcript NM_198428.3 (MANE Select); coding-DNA position 2045, one base duplicated (C; older notation c.2045dupC).
Protein change: p.Arg683fs; shifts the reading frame from arginine 683.
Molecular consequence: frameshift variant. On other transcripts: non-coding transcript variant (3).
Genome position (GRCh38, 1-based): chr7:33,388,074, C duplicated. VCF-style (leftmost placement, unchanged base first): chr7-33388073-G-GC. GRCh37 (hg19) VCF-style: chr7-33427685-G-GC.
Other names: BBS9, 1-BP INS, 2046C; c.1940dup, p.Arg648fs (NM_001033604.2); c.2030dup, p.Arg678fs (NM_001033605.2); c.2045dup, p.Arg683fs (NM_001348036.1, NM_001348041.4, NM_001348043.3 and 1 more transcripts); c.1679dup, p.Arg561fs (NM_001348037.3, NM_001348045.3, NM_001348046.3); c.1772dup, p.Arg592fs (NM_001348038.3); c.1667dup, p.Arg557fs (NM_001348039.3); c.1925dup, p.Arg643fs (NM_001348040.3, NM_014451.4); and 2 more; short protein forms R561fs, R648fs, R638fs, R526fs, R557fs, R592fs, R643fs, R683fs.
Identifiers: ClinVar variation 2658 (VCV000002658.3), dbSNP rs587777810, ClinGen allele CA252386.

ClinVar aggregate classification (germline): Pathogenic. Review status: criteria provided, multiple submitters, no conflicts (2 of 4 stars). 3 submissions from 3 submitters: Pathogenic (2). 1 of the submissions does not count toward it. Last evaluated 2026-07-30.

Conditions:
Bardet-Biedl syndrome 4 (BBS4). Identifiers: Orphanet 110, MedGen C2936864, MONDO:0014433, OMIM 615982.
Bardet-Biedl syndrome 9 (BBS9). Identifiers: Orphanet 110, MedGen C1859567, MONDO:0014437, OMIM 615986.

Submissions (3):

Institute of Human Genetics, University of Leipzig Medical Center
Classification: Pathogenic for Bardet-Biedl syndrome 4. Last evaluated: 2026-07-30. Review status: criteria provided, single submitter. Criteria: ACMG Guidelines, 2015. Collection method: clinical testing. Allele origin: unknown. Inheritance: Autosomal recessive inheritance. Affected: yes.
Comment: Criteria applied: PVS1,PS4_MOD,PM2

GeneDx
Classification: Pathogenic. Last evaluated: 2025-07-16. Review status: criteria provided, single submitter. Criteria: GeneDx Variant Classification Process June 2021. Collection method: clinical testing. Allele origin: germline. Affected: yes.
Comment: Frameshift variant predicted to result in protein truncation or nonsense mediated decay in a gene for which loss of function is a known mechanism of disease; Not observed at significant frequency in large population cohorts (gnomAD); This variant is associated with the following publications: (PMID: 16380913)

OMIM
Classification: Pathogenic for BARDET-BIEDL SYNDROME 9. Last evaluated: 2005-12-01. Review status: no assertion criteria provided. Collection method: literature only. Allele origin: germline. Not counted in ClinVar's aggregate classification.

Literature cited by the submitters: PubMed 16380913 (cited by OMIM).